The following is an entry in ClinVar:

ClinVar aggregate classification (germline): Uncertain significance (1 of 4 stars; one submission).

Conditions:
Werner syndrome (WRN). Identifiers: Orphanet 902, MedGen C0043119, MONDO:0010196, OMIM 277700.

gnomAD v4.1: 12 of 1,606,434 alleles (0.00075%); highest among the groups gnomAD compares: Non-Finnish European, 0.001%; no homozygotes.

Submission:

Labcorp Genetics (formerly Invitae), Labcorp
Classification: Uncertain significance for Werner syndrome. Last evaluated: 2024-05-07. Review status: criteria provided, single submitter. Criteria: Invitae Variant Classification Sherloc (09022015). Collection method: clinical testing. Allele origin: germline.
Comment: This sequence change replaces glycine, which is neutral and non-polar, with arginine, which is basic and polar, at codon 576 of the WRN protein (p.Gly576Arg). This variant is not present in population databases (gnomAD no frequency). This variant has not been reported in the literature in individuals affected with WRN-related conditions. ClinVar contains an entry for this variant (Variation ID: 573722). An algorithm developed to predict the effect of missense changes on protein structure and function (PolyPhen-2) suggests that this variant is likely to be disruptive. In summary, the available evidence is currently insufficient to determine the role of this variant in disease. Therefore, it has been classified as a Variant of Uncertain Significance.

NM_000553.6(WRN):c.1726G>C (p.Gly576Arg)

Gene: WRN (WRN RecQ like helicase; plus strand). Cytogenetic location: 8p12.
Variant type: single nucleotide variant.
Coding change: c.1726G>C on transcript NM_000553.6 (MANE Select); coding-DNA position 1726, G replaced by C.
Protein change: p.Gly576Arg; replaces glycine 576 with arginine.
Molecular consequence: missense variant.
Genome position (GRCh38, 1-based): chr8:31,090,839, G>C. VCF-style: chr8-31090839-G-C. GRCh37 (hg19) VCF-style: chr8-30948355-G-C.
Other names: short protein forms G576R.
Identifiers: ClinVar variation 573722 (VCV000573722.5), dbSNP rs1396973081, ClinGen allele CA370927405.